The following continues an entry in ClinVar:

NM_000350.3(ABCA4):c.1804C>T (p.Arg602Trp)

Gene: ABCA4. ClinVar aggregate classification (germline): Pathogenic. Pathogenic (1).

Submissions 9 to 24 of 28:

GeneDx
Classification: Pathogenic. Last evaluated: 2023-08-08. Review status: criteria provided, single submitter. Criteria: GeneDx Variant Classification Process June 2021. Collection method: clinical testing. Allele origin: germline. Affected: yes. Not counted in ClinVar's aggregate classification.
Comment: Published functional studies demonstrate a damaging effect suggestive of protein misfolding (Wiszniewski et al., 2005); In silico analysis supports that this missense variant has a deleterious effect on protein structure/function; This variant is associated with the following publications: (PMID: 24444108, 31429209, 33706644, 28118664, 28041643, 28181551, 28947085, 28446513, 29186038, 23755871, 29641573, 29114839, 30093795, 28559085, 28838317, 32036094, 32581362, 32845050, 31216405, 34327195, 33781268, 31589614, 32619608, 33090715, 33301772, 33261146, 35657619, 35119454, 20696155, 25472526, 36338671, 22449572, 23982839, 34906470, 25910913, 9973280, 16103129, 23695285)

Ophthalmic Genetics Group, Institute of Molecular and Clinical Ophthalmology Basel
Classification: Pathogenic for Stargardt disease. Last evaluated: 2023-07-24. Review status: criteria provided, single submitter. Criteria: ACMG Guidelines, 2015. Collection method: research. Allele origin: germline. Affected: yes. Observed: 1 variant allele. Not counted in ClinVar's aggregate classification.
Comment: Clinical significance based on ACMG v2.0

This variant was classified as Pathogenic based on ACMG criteria: PS4, PM1, PP2, PM2, PM5, PP3, PP5.

Molecular Genetics, Royal Melbourne Hospital
Classification: Pathogenic for Severe early-childhood-onset retinal dystrophy. Last evaluated: 2023-03-30. Review status: criteria provided, single submitter. Criteria: ACMG Guidelines, 2015. Collection method: clinical testing. Allele origin: germline. Affected: yes. Not counted in ClinVar's aggregate classification.
Comment: This sequence change is predicted to replace arginine with tryptophan at codon 602 of the ABCA4 protein, p.(Arg602Trp). The arginine residue is moderately conserved (100 vertebrates, UCSC), and is present in the extracellular domain. There is a moderate physicochemical difference between arginine and tryptophan. The variant is present in a large population cohort 0.004%, which is consistent with recessive disease (rs61749409, 11/250,870 alleles, 0 homozygotes in gnomAD v2.1). It has been reported compound heterozygous with another pathogenic allele and homozygous most commonly in Stargardt disease cases, and also cases of cone-rod dystrophy and retinitis pigmentosa co-segregating with disease (PMID: 9973280, 16103129, 23695285). In vitro functional assays demonstrate that the missense substitution prevents correct localisation of the protein in to the rod outer segment, and perturbs ATPase activity (PMID: 16103129). Additionally, multiple lines of computational evidence predict a deleterious effect for the missense substitution (7/7 algorithms). Based on the classification scheme RMH ACMG Guidelines v1.1.1, this variant is classified as PATHOGENIC. Following criteria are met: PM3_VeryStrong, PM2, PS3_Supporting, PP1, PP3.

3billion
Classification: Pathogenic for Retinitis pigmentosa 19. Last evaluated: 2022-05-22. Review status: criteria provided, single submitter. Criteria: ACMG Guidelines, 2015. Collection method: clinical testing. Allele origin: germline. Affected: yes. Observed: 1 heterozygote. Not counted in ClinVar's aggregate classification.
Comment: The variant is observed at an extremely low frequency in the gnomAD v2.1.1 dataset (total allele frequency: 0.004%). In silico tool predictions suggest damaging effect of the variant on gene or gene product (REVEL: 0.93; 3Cnet: 0.99). Same nucleotide change resulting in same amino acid change has been previously reported as pathogenic/likely pathogenic with strong evidence (ClinVar ID: VCV000099084). The variant has been reported to be in trans with other pathogenic variant(s) as either compound heterozygous or homozygous in at least 2 similarly affected unrelated individuals (PMID: 16103129). A different missense change at the same codon (p.Arg602Gln) has been reported as pathogenic/likely pathogenic with strong evidence (ClinVar ID: VCV000099085). Therefore, this variant is classified as pathogenic according to the recommendation of ACMG/AMP guideline.

Dasa
Classification: Pathogenic for ABCA4-related disorder. Last evaluated: 2022-03-05. Review status: criteria provided, single submitter. Criteria: ACMG Guidelines, 2015. Collection method: clinical testing. Allele origin: germline. Affected: yes. Observed: 1 variant allele. Not counted in ClinVar's aggregate classification.
Comment: Well-established in vitro or in vivo functional studies supportive of a damaging effect on the gene or gene product (PMID: 16103129) - PS3.The c.1804C>T;p.(Arg602Trp) missense variant has been observed in affected individual(s) and ClinVar contains an entry for this variant (ClinVar ID: 99084; PMID: 28181551; 28118664; 28041643; 24444108; 23982839; 23755871; 9973280) - PS4. The variant is present at low allele frequencies population databases (rs61749409 – gnomAD 0.0004385%; ABraOM 0.001708 frequency) - PM2_supporting. The p.(Arg602Trp) was detected in trans with a pathogenic variant (PMID: 28181551; PMID: 16103129; PMID: 24444108; PMID: 23982839; PMID: 23755871) - PM3. The variant co-segregated with disease in multiple affected family members (PMID: 16103129) - PP1. Multiple lines of computational evidence support a deleterious effect on the gene or gene product - PP3. In summary, the currently available evidence indicates that the variant is pathogenic.

Pangenia Genomics, Pangenia Inc.
Classification: Pathogenic for Retinitis pigmentosa 19. Last evaluated: 2021-11-18. Review status: criteria provided, single submitter. Criteria: ACMG Guidelines, 2015. Collection method: research. Allele origin: unknown, germline. Inheritance: Autosomal recessive inheritance. Affected: no and yes. Observed: 2 heterozygotes, 1 homozygote. Not counted in ClinVar's aggregate classification.
Comment: The ABCA4, c.1804C>T (p.Arg602Trp) variant is at extremely low frequency in population database. In vitro functional studies demonstrated that this variant results in protein mis-folding and mis-localization [PMID: 16103129]. This variant has been observed in many individuals with autosomal recessive retinopathy, in homozygosity, or with another variant in ABCA4 gene, including null variants and missense variants [PMID: 16103129, 30093795, 9973280, 23755871, 32619608, 29186038]. This variant has been found to co-segregate with retinitis pigmentosa, Stargardt disease 1 or Cone-rod dystrophy in multiple families (PMID: 16103129, 23755871, 32619608, 29114839). Multiple lines of computational evidence support a deleterious effect on the gene/gene product (REVEL = 0.934). This variant has multiple submissions in ClinVar (Variation ID: 99084).

Ocular Genomics Institute, Massachusetts Eye and Ear
Classification: Pathogenic for Severe early-childhood-onset retinal dystrophy. Last evaluated: 2021-04-08. Review status: criteria provided, single submitter. Criteria: ACMG Guidelines, 2015. Collection method: research. Allele origin: germline. Affected: yes. Not counted in ClinVar's aggregate classification.
Comment: Through a review of available evidence we were able to apply the following criteria: PM1, PM2, PS3, PM3, PP3. Based on this evidence we have classified this variant as Pathogenic.

Broad Center for Mendelian Genomics, Broad Institute of MIT and Harvard
Classification: Pathogenic for Retinitis pigmentosa. Last evaluated: 2021-04-01. Review status: criteria provided, single submitter. Criteria: ACMG Guidelines, 2015. Collection method: curation. Allele origin: germline. Inheritance: Autosomal recessive inheritance. Affected: yes. Not counted in ClinVar's aggregate classification.
Comment: Through a review of available evidence we were able to apply the following criteria: PM1, PM2, PS3, PM3, PP3. Based on this evidence we have classified this variant as Pathogenic. If you have any questions about the classification please reach out to the Pierce Lab.

Institute of Medical Molecular Genetics, University of Zurich
Classification: Likely pathogenic for Cone-rod dystrophy 3. Last evaluated: 2021-01-30. Review status: criteria provided, single submitter. Criteria: ACMG Guidelines, 2015. Collection method: clinical testing. Allele origin: unknown. Affected: yes. Not counted in ClinVar's aggregate classification.

Institute of Medical Genetics and Applied Genomics, University Hospital Tübingen
Classification: Pathogenic. Last evaluated: 2020-10-23. Review status: criteria provided, single submitter. Criteria: ACMG Guidelines, 2015. Collection method: clinical testing. Allele origin: germline. Inheritance: Autosomal recessive inheritance. Affected: yes. Not counted in ClinVar's aggregate classification.

Revvity Omics, Revvity
Classification: Pathogenic. Last evaluated: 2019-10-15. Review status: criteria provided, single submitter. Criteria: ACMG Guidelines, 2015. Collection method: clinical testing. Allele origin: germline. Not counted in ClinVar's aggregate classification.

Baylor Genetics
Classification: Pathogenic for Cone-rod dystrophy 3; Retinitis pigmentosa 19; Severe early-childhood-onset retinal dystrophy. Last evaluated: 2018-10-12. Review status: criteria provided, single submitter. Criteria: ACMG Guidelines, 2015. Collection method: clinical testing. Allele origin: germline. Affected: yes. Not counted in ClinVar's aggregate classification.

Eurofins Ntd Llc (ga)
Classification: Pathogenic. Last evaluated: 2016-10-17. Review status: criteria provided, single submitter. Criteria: EGL Classification Definitions 2015. Collection method: clinical testing. Allele origin: germline. Observed: 1 variant allele, 1 heterozygote. Not counted in ClinVar's aggregate classification.

Institute of Human Genetics, Univ. Regensburg, Univ. Regensburg
Classification: Pathogenic for Severe early-childhood-onset retinal dystrophy. Last evaluated: 2016-01-01. Review status: criteria provided, single submitter. Criteria: Schulz et al. (Invest Ophthalmol Vis Sci. 2017). Collection method: clinical testing. Allele origin: germline. Affected: yes. Observed: 1 heterozygote. Not counted in ClinVar's aggregate classification.

Institute of Human Genetics, Univ. Regensburg, Univ. Regensburg
Classification: Pathogenic for Retinal dystrophy. Last evaluated: 2011-01-01. Review status: criteria provided, single submitter. Criteria: ACMG Guidelines, 2015. Collection method: clinical testing. Allele origin: germline. Affected: yes. Not counted in ClinVar's aggregate classification.

Clinical Genetics Service, Universitary Hospital 12 de Octubre
Classification: Pathogenic for Severe early-childhood-onset retinal dystrophy. Review status: criteria provided, single submitter. Criteria: ACMG Guidelines, 2015. Collection method: clinical testing. Allele origin: germline. Affected: yes. Not counted in ClinVar's aggregate classification.